The following is an entry in ClinVar:

ClinVar aggregate classification (germline): Pathogenic. Review status: criteria provided, multiple submitters, no conflicts (2 of 4 stars). 2 submissions from 2 submitters: Pathogenic (2). Last evaluated 2022-01-07.

Conditions:
Birt-Hogg-Dube syndrome. Also called: Birt Hogg Dubé syndrome. Identifiers: Orphanet 122, MedGen C0346010, MONDO:0800444.

Submissions (2):

Labcorp Genetics (formerly Invitae), Labcorp
Classification: Pathogenic for Birt-Hogg-Dube syndrome. Last evaluated: 2022-01-07. Review status: criteria provided, single submitter. Criteria: Invitae Variant Classification Sherloc (09022015). Collection method: clinical testing. Allele origin: germline.
Comment: For these reasons, this variant has been classified as Pathogenic. This premature translational stop signal has been observed in individual(s) with clinical features of Birt-Hogg-Dubé (BHD) (PMID: 27220747). This variant is present in population databases (no rsID available, gnomAD 0.006%). This sequence change creates a premature translational stop signal (p.Glu434Valfs*21) in the FLCN gene. It is expected to result in an absent or disrupted protein product. Loss-of-function variants in FLCN are known to be pathogenic (PMID: 15852235).

Clinical Genetics and Genomics, Karolinska University Hospital
Classification: Pathogenic. Last evaluated: 2016-01-20. Review status: criteria provided, single submitter. Criteria: ACMG Guidelines, 2015. Collection method: clinical testing. Allele origin: germline. Affected: yes. Observed: 4 variant alleles.

Literature cited by the submitters: PubMed 27220747 (cited by Labcorp Genetics (formerly Invitae), Labcorp); PubMed 15852235 (cited by Labcorp Genetics (formerly Invitae), Labcorp).

NM_144997.7(FLCN):c.1301_1302del

Gene: FLCN (folliculin; minus strand). Cytogenetic location: 17p11.2.
Variant type: Microsatellite.
Coding change: c.1301_1302del on transcript NM_144997.7 (MANE Select); coding-DNA positions 1301 to 1302, 2 bases deleted (AG; older notation c.1301_1302delAG).
Molecular consequence: splice acceptor variant.
Genome position (GRCh38, 1-based): chr17:17,215,315-17,215,316, CT deleted on the plus strand (AG on the coding strand, the reverse complement: FLCN is on the minus strand); deleting any 2 consecutive bases within chr17:17,215,315-17,215,318 gives the same sequence; the c. name uses the placement nearest the transcript's 3' end. VCF-style (leftmost placement, unchanged base first): chr17-17215314-ACT-A. GRCh37 (hg19) VCF-style: chr17-17118628-ACT-A.
Identifiers: ClinVar variation 988525 (VCV000988525.9), dbSNP rs1567808098, ClinGen allele CA625314033.
Genomic context (GRCh38, chr17:17,215,314, plus strand): 5'-CACACCCCACAGGGTGGAGGGTGGAACGTGCGGCTGCGTGGACCTCCACGATGACAGCAA[ACT>A]CTGTAACAACACAAGGCCCGTGGCTCCTCATCTCCCCCATGCTCCTCACCTCCCCTGCGC-3'